The following is an entry in ClinVar:

NM_053013.4(ENO3):c.70C>G (p.Leu24Val)

Gene: ENO3 (enolase 3; plus strand). Cytogenetic location: 17p13.2.
Variant type: single nucleotide variant.
Coding change: c.70C>G on transcript NM_053013.4 (MANE Select); coding-DNA position 70, C replaced by G.
Protein change: p.Leu24Val; replaces leucine 24 with valine.
Molecular consequence: missense variant.
Genome position (GRCh38, 1-based): chr17:4,951,899, C>G. VCF-style: chr17-4951899-C-G. GRCh37 (hg19) VCF-style: chr17-4855194-C-G.
Other names: c.70C>G, p.Leu24Val (NM_001193503.2, NM_001374523.1, NM_001976.5); c.97C>G, p.Leu33Val (NM_001374524.1); short protein forms L24V, L33V.
Identifiers: ClinVar variation 4745202 (VCV004745202.1).
Genomic context (GRCh38, chr17:4,951,899, plus strand): 5'-CAGAAAATCTTTGCCCGGGAAATCTTGGACTCCAGGGGCAACCCCACGGTGGAGGTGGAC[C>G]TGCACACGGCCAAGGGTAACACAAGGCCCATTGGATAGGCTCGCCTCCGAAGACCCCAAC-3'
Protein context (NP_443739.3, residues 14-34): SRGNPTVEVD[Leu24Val]HTAKGRFRAA

ClinVar aggregate classification (germline): Uncertain significance (1 of 4 stars; one submission).

Conditions:
Glycogen storage disease due to muscle beta-enolase deficiency (GSD13). Also called: Glycogen Storage Disease Type XIII; ENOLASE 3 DEFICIENCY; ENOLASE-BETA DEFICIENCY; GSD XIII. Identifiers: Orphanet 99849, MedGen C2752027, MONDO:0013046, OMIM 612932.

Submission:

Labcorp Genetics (formerly Invitae), Labcorp
Classification: Uncertain significance for Glycogen storage disease due to muscle beta-enolase deficiency. Last evaluated: 2025-10-06. Review status: criteria provided, single submitter. Criteria: Invitae Variant Classification Sherloc (09022015). Collection method: clinical testing. Allele origin: germline.
Comment: This sequence change replaces leucine, which is neutral and non-polar, with valine, which is neutral and non-polar, at codon 24 of the ENO3 protein (p.Leu24Val). This variant is not present in population databases (gnomAD no frequency). This variant has not been reported in the literature in individuals affected with ENO3-related conditions. Invitae Evidence Modeling of protein sequence and biophysical properties (such as structural, functional, and spatial information, amino acid conservation, physicochemical variation, residue mobility, and thermodynamic stability) indicates that this missense variant is not expected to disrupt ENO3 protein function with a negative predictive value of 80%. In summary, the available evidence is currently insufficient to determine the role of this variant in disease. Therefore, it has been classified as a Variant of Uncertain Significance.